The following is an entry in ClinVar:

NM_004366.6(CLCN2):c.1996C>G (p.Pro666Ala)

Gene: CLCN2 (chloride voltage-gated channel 2; minus strand). Cytogenetic location: 3q27.1.
Variant type: single nucleotide variant.
Coding change: c.1996C>G on transcript NM_004366.6 (MANE Select); coding-DNA position 1996, C replaced by G.
Protein change: p.Pro666Ala; replaces proline 666 with alanine.
Molecular consequence: missense variant.
Genome position (GRCh38, 1-based): chr3:184,353,282, G>C on the plus strand (C>G on the coding strand, the complement: CLCN2 is on the minus strand). VCF-style: chr3-184353282-G-C. GRCh37 (hg19) VCF-style: chr3-184071070-G-C.
Other names: c.1945C>G, p.Pro649Ala (NM_001171087.3); c.1864C>G, p.Pro622Ala (NM_001171088.3); c.1996C>G, p.Pro666Ala (NM_001171089.3); short protein forms P622A, P666A, P649A.
Identifiers: ClinVar variation 2031578 (VCV002031578.4), dbSNP rs770165017, ClinGen allele CA355448832.

ClinVar aggregate classification (germline): Uncertain significance (1 of 4 stars; one submission).

gnomAD v4.1: 6 of 1,613,942 alleles (0.00037%); highest among the groups gnomAD compares: Non-Finnish European, 0.00051%; no homozygotes.

Submission:

Labcorp Genetics (formerly Invitae), Labcorp
Classification: Uncertain significance. Last evaluated: 2022-05-27. Review status: criteria provided, single submitter. Criteria: Invitae Variant Classification Sherloc (09022015). Collection method: clinical testing. Allele origin: germline.
Comment: This sequence change replaces proline, which is neutral and non-polar, with alanine, which is neutral and non-polar, at codon 666 of the CLCN2 protein (p.Pro666Ala). This variant is not present in population databases (gnomAD no frequency). This variant has not been reported in the literature in individuals affected with CLCN2-related conditions. Advanced modeling of protein sequence and biophysical properties (such as structural, functional, and spatial information, amino acid conservation, physicochemical variation, residue mobility, and thermodynamic stability) performed at Invitae indicates that this missense variant is not expected to disrupt CLCN2 protein function. In summary, the available evidence is currently insufficient to determine the role of this variant in disease. Therefore, it has been classified as a Variant of Uncertain Significance.